The following is an entry in ClinVar:

ClinVar aggregate classification (germline): Likely benign. Review status: reviewed by expert panel (3 of 4 stars). 15 submissions from 15 submitters: Likely benign (1). 14 of the submissions do not count toward it. Last evaluated 2017-06-29.

Conditions:
BRCA2-related disorder. Also called: BRCA2-related condition; BRCA2-related disorders. Identifiers: MedGen CN239275.
Hereditary cancer-predisposing syndrome. Also called: Tumor predisposition; Neoplastic Syndromes, Hereditary; Hereditary Cancer Syndrome; Hereditary neoplastic syndrome. Identifiers: Orphanet 140162, MedGen C0027672, MeSH D009386, MONDO:0015356.
Hereditary breast ovarian cancer syndrome. Also called: Hereditary breast and ovarian cancer; Hereditary breast and ovarian cancer syndrome (HBOC); Breast and ovarian cancer; Hereditary breast and/or ovarian cancer syndrome; BRCA1- and BRCA2-Associated Hereditary Breast and Ovarian Cancer; Hereditary breast and ovarian cancer syndrome. Identifiers: Orphanet 145, MedGen C0677776, MeSH D061325, MONDO:0003582. Disease mechanism: loss of function.
Breast-ovarian cancer, familial, susceptibility to, 2 (BROVCA2). Also called: BRCA2 Hereditary Breast and Ovarian Cancer. Identifiers: Orphanet 145, MedGen C2675520, MONDO:0012933, OMIM 612555. Disease mechanism: loss of function.

Allele frequency attached by ClinVar (database versions not stated): gnomAD 0.00001; gnomAD exomes 0.00001; TOPMed 0.00005.
gnomAD v4.1: 10 of 1,543,398 alleles (0.00065%); highest among the groups gnomAD compares: Admixed American, 0.0021%; no homozygotes.

Submissions (15):

Evidence-based Network for the Interpretation of Germline Mutant Alleles (ENIGMA)
Classification: Likely benign for Breast-ovarian cancer, familial, susceptibility to, 2. Last evaluated: 2017-06-29. Review status: reviewed by expert panel. Criteria: ENIGMA BRCA1/2 Classification Criteria (2017-06-29). Collection method: curation. Allele origin: germline.
Comment: Synonymous substitution variant, with low bioinformatic likelihood to result in a splicing aberration (Splicing prior probability 0.02).

Women's Health and Genetics/Laboratory Corporation of America, LabCorp
Classification: Likely benign. Last evaluated: 2026-01-12. Review status: criteria provided, single submitter. Criteria: LabCorp Variant Classification Summary - May 2015. Collection method: clinical testing. Allele origin: germline. Not counted in ClinVar's aggregate classification.

Labcorp Genetics (formerly Invitae), Labcorp
Classification: Likely benign for Hereditary breast ovarian cancer syndrome. Last evaluated: 2025-12-26. Review status: criteria provided, single submitter. Criteria: Invitae Variant Classification Sherloc (09022015). Collection method: clinical testing. Allele origin: germline. Not counted in ClinVar's aggregate classification.

Quest Diagnostics Nichols Institute San Juan Capistrano
Classification: Likely benign. Last evaluated: 2025-07-03. Review status: criteria provided, single submitter. Criteria: Quest Diagnostics criteria. Collection method: clinical testing. Allele origin: unknown. Not counted in ClinVar's aggregate classification.

CeGaT Center for Human Genetics Tuebingen
Classification: Likely benign. Last evaluated: 2023-09-01. Review status: criteria provided, single submitter. Criteria: CeGaT Center For Human Genetics Tuebingen Variant Classification Criteria Version 2. Collection method: clinical testing. Allele origin: germline. Affected: yes. Observed: 1 variant allele. Not counted in ClinVar's aggregate classification.
Comment: BRCA2: BP4, BP7

Sema4
Classification: Likely benign for Hereditary cancer-predisposing syndrome. Last evaluated: 2021-12-22. Review status: criteria provided, single submitter. Criteria: Sema4 Curation Guidelines. Collection method: curation. Allele origin: germline. Not counted in ClinVar's aggregate classification.

GeneDx
Classification: Likely benign. Last evaluated: 2021-06-14. Review status: criteria provided, single submitter. Criteria: GeneDx Variant Classification Process June 2021. Collection method: clinical testing. Allele origin: germline. Affected: yes. Not counted in ClinVar's aggregate classification.

Genome Diagnostics Laboratory, University Medical Center Utrecht
Classification: Likely benign for Breast-ovarian cancer, familial, susceptibility to, 2. Last evaluated: 2017-07-28. Review status: criteria provided, single submitter. Criteria: ACGS Guidelines, 2013. Collection method: clinical testing. Allele origin: germline. Affected: yes. Study: VKGL Data-share Consensus. Not counted in ClinVar's aggregate classification.

Color Diagnostics, LLC DBA Color Health
Classification: Likely benign for Hereditary cancer-predisposing syndrome. Last evaluated: 2016-09-08. Review status: criteria provided, single submitter. Criteria: ACMG Guidelines, 2015. Collection method: clinical testing. Allele origin: germline. Not counted in ClinVar's aggregate classification.

Clinical Genetics DNA and cytogenetics Diagnostics Lab, Erasmus MC, Erasmus Medical Center
Classification: Likely benign for Breast-ovarian cancer, familial, susceptibility to, 2. Last evaluated: 2015-09-21. Review status: criteria provided, single submitter. Criteria: ACGS Guidelines, 2013. Collection method: clinical testing. Allele origin: germline. Affected: yes. Study: VKGL Data-share Consensus. Not counted in ClinVar's aggregate classification.

Eurofins Ntd Llc (ga)
Classification: Uncertain significance. Last evaluated: 2015-01-20. Review status: criteria provided, single submitter. Criteria: EGL Classification Definitions 2015. Collection method: clinical testing. Allele origin: germline. Observed: 1 variant allele, 1 heterozygote. Not counted in ClinVar's aggregate classification.

Ambry Genetics
Classification: Likely benign for Hereditary cancer-predisposing syndrome. Last evaluated: 2014-10-14. Review status: criteria provided, single submitter. Criteria: Ambry Variant Classification Scheme 2023. Collection method: clinical testing. Allele origin: germline. Not counted in ClinVar's aggregate classification.

PreventionGenetics, part of Exact Sciences
Classification: Likely benign for BRCA2-related condition. Last evaluated: 2019-11-25. Review status: no assertion criteria provided. Collection method: clinical testing. Allele origin: germline. Not counted in ClinVar's aggregate classification.
Comment: This variant is classified as likely benign based on ACMG/AMP sequence variant interpretation guidelines (Richards et al. 2015 PMID: 25741868, with internal and published modifications).

Clinical Genetics Laboratory, Department of Pathology, Netherlands Cancer Institute
Classification: Likely benign. Review status: no assertion criteria provided. Collection method: clinical testing. Allele origin: germline. Affected: yes. Study: VKGL Data-share Consensus. Not counted in ClinVar's aggregate classification.

Joint Genome Diagnostic Labs from Nijmegen and Maastricht, Radboudumc and MUMC+
Classification: Likely benign. Review status: no assertion criteria provided. Collection method: clinical testing. Allele origin: germline. Affected: yes. Study: VKGL Data-share Consensus. Not counted in ClinVar's aggregate classification.

Literature cited by the submitters: PubMed 31214711 (cited by Quest Diagnostics Nichols Institute San Juan Capistrano).

NM_000059.4(BRCA2):c.3880T>C (p.Leu1294=)

Gene: BRCA2 (BRCA2 DNA repair associated; plus strand). Cytogenetic location: 13q13.1.
Variant type: single nucleotide variant.
Coding change: c.3880T>C on transcript NM_000059.4 (MANE Select); coding-DNA position 3880, T replaced by C.
Protein change: p.Leu1294=; no amino-acid change (leucine 1294 retained).
Molecular consequence: synonymous variant.
Genome position (GRCh38, 1-based): chr13:32,338,235, T>C. VCF-style: chr13-32338235-T-C. GRCh37 (hg19) VCF-style: chr13-32912372-T-C.
Identifiers: ClinVar variation 184035 (VCV000184035.59), dbSNP rs786201236, ClinGen allele CA019060.